The following is an entry in ClinVar:

NM_201384.3(PLEC):c.4044+62A>G

Gene: PLEC (plectin; minus strand). Cytogenetic location: 8q24.3.
Variant type: single nucleotide variant.
Coding change: c.4044+62A>G on transcript NM_201384.3 (MANE Select); 62 bases into the intron after coding-DNA position 4044, A replaced by G.
Molecular consequence: intron variant.
Genome position (GRCh38, 1-based): chr8:143,926,722, T>C on the plus strand (A>G on the coding strand, the complement: PLEC is on the minus strand). VCF-style: chr8-143926722-T-C. GRCh37 (hg19) VCF-style: chr8-145000890-T-C.
Other names: c.4125+62A>G (NM_000445.5); c.4002+62A>G (NM_201378.4); c.3978+62A>G (NM_201379.3); c.4455+62A>G (NM_201380.4); c.3948+62A>G (NM_201381.3); c.4044+62A>G (NM_201382.4); c.4056+62A>G (NM_201383.3).
Identifiers: ClinVar variation 678405 (VCV000678405.2), dbSNP rs139985577, ClinGen allele CA187617819.

ClinVar aggregate classification (germline): Benign. Review status: criteria provided, multiple submitters, no conflicts (2 of 4 stars). 2 submissions from 2 submitters: Benign (2). Last evaluated 2018-06-19.

Allele frequency attached by ClinVar (database versions not stated): gnomAD exomes 0.00302; 1000 Genomes Project 0.02875; 1000 Genomes Project 30x 0.03061; gnomAD 0.03063 and 0.03320; TOPMed 0.03481.
gnomAD v4.1: 8,406 of 1,348,554 alleles (0.62%); highest among the groups gnomAD compares: African/African-American, 11%; 441 homozygotes.

Submissions (2):

GeneDx
Classification: Benign. Last evaluated: 2018-06-19. Review status: criteria provided, single submitter. Criteria: GeneDx Variant Classification (06012015). Collection method: clinical testing. Allele origin: germline. Affected: yes.
Comment: This variant is considered likely benign or benign based on one or more of the following criteria: it is a conservative change, it occurs at a poorly conserved position in the protein, it is predicted to be benign by multiple in silico algorithms, and/or has population frequency not consistent with disease.

Breakthrough Genomics
Classification: Benign. Review status: criteria provided, single submitter. Criteria: ACMG Guidelines, 2015. Collection method: not provided. Allele origin: germline. Inheritance: Autosomal recessive inheritance. Affected: yes.